The following is an entry in ClinVar:

NM_012144.4(DNAI1):c.295C>T (p.Gln99Ter)

Gene: DNAI1 (dynein axonemal intermediate chain 1; plus strand). Cytogenetic location: 9p13.3.
Variant type: single nucleotide variant.
Coding change: c.295C>T on transcript NM_012144.4 (MANE Select); coding-DNA position 295, C replaced by T.
Protein change: p.Gln99Ter; replaces glutamine 99 with a stop codon.
Molecular consequence: nonsense.
Genome position (GRCh38, 1-based): chr9:34,489,356, C>T. VCF-style: chr9-34489356-C-T. GRCh37 (hg19) VCF-style: chr9-34489354-C-T.
Other names: c.295C>T, p.Gln99Ter (NM_001281428.2); short protein forms Q99*.
Identifiers: ClinVar variation 4815545 (VCV004815545.1).

ClinVar aggregate classification (germline): Likely pathogenic (1 of 4 stars; one submission).

Conditions:
Primary ciliary dyskinesia. Also called: Ciliary dyskinesia. Identifiers: Orphanet 244, MedGen C0008780, MONDO:0016575, HP:0012265.

gnomAD v4.1: 1 of 1,614,060 alleles (0.000062%); no homozygotes.

Submission:

Natera, Inc.
Classification: Likely pathogenic for Primary ciliary dyskinesia. Last evaluated: 2024-02-24. Review status: criteria provided, single submitter. Criteria: Natera Variant Classification Schema (03/2026). Collection method: clinical testing. Allele origin: germline.
Comment: The c.295C>T variant in DNAI1 is a nonsense variant predicted to introduce a stop codon at amino acid 99. This variant is expected to result in nonsense mediated decay, truncation, or a dysfunctional protein product. This variant is rare in the general population with a frequency below the threshold expected for the associated phenotype(s). Given the available evidence, this variant is classified as Likely Pathogenic.